The following is an entry in ClinVar:

ClinVar aggregate classification (germline): Uncertain significance (1 of 4 stars; one submission).

Conditions:
UCP3-related disorder. Also called: UCP3-related condition.

Allele frequency attached by ClinVar (database versions not stated): gnomAD 0.00003; ExAC 0.00006.
gnomAD v4.1: 22 of 1,613,972 alleles (0.0014%); highest among the groups gnomAD compares: Admixed American, 0.037%; no homozygotes.

Submission:

PreventionGenetics, part of Exact Sciences
Classification: Uncertain significance for UCP3-related condition. Last evaluated: 2026-06-25. Review status: criteria provided, single submitter. Criteria: ACMG Guidelines, 2015. Collection method: clinical testing. Allele origin: germline.
Comment: The UCP3 c.670G>A variant is predicted to result in the amino acid substitution p.Ala224Thr. To our knowledge, this variant has not been reported in the literature. This variant is reported in 0.051% of alleles in individuals of Latino descent in gnomAD. Although we suspect that this variant may be benign, the clinical significance of this variant is uncertain at this time due to the absence of conclusive functional and genetic evidence.

NM_003356.4(UCP3):c.670G>A (p.Ala224Thr)

Gene: UCP3 (uncoupling protein 3; minus strand). Cytogenetic location: 11q13.4.
Variant type: single nucleotide variant.
Coding change: c.670G>A on transcript NM_003356.4 (MANE Select); coding-DNA position 670, G replaced by A.
Protein change: p.Ala224Thr; replaces alanine 224 with threonine.
Molecular consequence: missense variant.
Genome position (GRCh38, 1-based): chr11:74,003,981, C>T on the plus strand (G>A on the coding strand, the complement: UCP3 is on the minus strand). VCF-style: chr11-74003981-C-T. GRCh37 (hg19) VCF-style: chr11-73715026-C-T.
Other names: c.670G>A, p.Ala224Thr (NM_022803.3); short protein forms A224T.
Identifiers: ClinVar variation 3036708 (VCV003036708.3), dbSNP rs745890211, ClinGen allele CA6181401.